The following is an entry in ClinVar:

NM_004766.3(COPB2):c.1316T>C (p.Leu439Ser)

Gene: COPB2 (COPI coat complex subunit beta 2; minus strand). Cytogenetic location: 3q23.
Variant type: single nucleotide variant.
Coding change: c.1316T>C on transcript NM_004766.3 (MANE Select); coding-DNA position 1316, T replaced by C.
Protein change: p.Leu439Ser; replaces leucine 439 with serine.
Molecular consequence: missense variant. On other transcripts: non-coding transcript variant (1).
Genome position (GRCh38, 1-based): chr3:139,369,346, A>G on the plus strand (T>C on the coding strand, the complement: COPB2 is on the minus strand). VCF-style: chr3-139369346-A-G. GRCh37 (hg19) VCF-style: chr3-139088188-A-G.
Other names: c.1229T>C, p.Leu410Ser (NM_001410834.1); short protein forms L410S, L439S.
Identifiers: ClinVar variation 3377069 (VCV003377069.1).
Genomic context (GRCh38, chr3:139,369,346, plus strand): 5'-CGTATGAGTTCTGTATTGTCCCAGTCATAGAAGGCTAAGCCATTTACAGATCTGACTCCC[A>G]ATAAGAAGCCGCCGTAGATACCTAAAGGGAACATAAAAAGAGTTTTGCTTAGGCATTTTT-3'
Protein context (NP_004757.1, residues 429-449): GAESIYGGFL[Leu439Ser]GVRSVNGLAF

ClinVar aggregate classification (germline): Uncertain significance (1 of 4 stars; one submission).

Conditions:
Osteoporosis, childhood- or juvenile-onset, with developmental delay. Identifiers: MedGen C5676992, MONDO:0859253, OMIM 619884.

Submission:

Victorian Clinical Genetics Services, Murdoch Childrens Research Institute
Classification: Uncertain significance for Osteoporosis, childhood- or juvenile-onset, with developmental delay. Last evaluated: 2024-09-20. Review status: criteria provided, single submitter. Criteria: ACMG Guidelines, 2015. Collection method: clinical testing. Allele origin: germline. Inheritance: Autosomal dominant inheritance. Affected: yes.
Comment: Based on the classification scheme VCGS_Germline_v1.3.4, this variant is classified as VUS-3A. Following criteria are met: 0102 - Loss of function is a known mechanism of disease in this gene and is associated with childhood- or juvenile-onset osteoporosis with developmental delay (MIM#619884). (I) 0107 - This gene is associated with autosomal dominant disease. Additionally, a homozygous missense variant has been reported in two unrelated families with autosomal recessive primary microcephaly 19 (MIM#617800) (PanelApp Australia, PMIDs: 29036432, 37734708). However, this is currently not an established gene-disease association. (I) 0200 - Variant is predicted to result in a missense amino acid change from leucine to serine. (I) 0251 - This variant is heterozygous. (I) 0301 - Variant is absent from gnomAD (both v2 and v3). (SP) 0501 - Missense variant consistently predicted to be damaging by multiple in silico tools or highly conserved with a major amino acid change. (SP) 0600 - Variant is located in the annotated Coatomer_WDAD domain (DECIPHER). (I) 0705 - No comparable missense variants have previous evidence for pathogenicity. (I) 0807 - This variant has no previous evidence of pathogenicity. (I) 0905 - No published segregation evidence has been identified for this variant. (I) 1007 - No published functional evidence has been identified for this variant. (SP) Legend: (SP) - Supporting pathogenic, (I) - Information, (SB) - Supporting benign

Literature cited by the submitters: PubMed 29036432; PubMed 37734708.